The following is an entry in ClinVar:

ClinVar aggregate classification (germline): Likely benign (1 of 4 stars; one submission).

Conditions:
PSKH1-related condition.

gnomAD v4.1: 85 of 1,614,046 alleles (0.0053%); highest among the groups gnomAD compares: Admixed American, 0.02%; no homozygotes.

Submission:

PreventionGenetics, part of Exact Sciences
Classification: Likely benign for PSKH1-related condition. Last evaluated: 2026-06-29. Review status: criteria provided, single submitter. Criteria: ACMG Guidelines, 2015. Collection method: clinical testing. Allele origin: germline.
Comment: This variant is classified as likely benign based on ACMG/AMP sequence variant interpretation guidelines (Richards et al. 2015 PMID: 25741868, with internal and published modifications).

NM_006742.3(PSKH1):c.99C>T (p.Asp33=)

Gene: PSKH1 (protein serine kinase H1; plus strand). Cytogenetic location: 16q22.1.
Variant type: single nucleotide variant.
Coding change: c.99C>T on transcript NM_006742.3 (MANE Select); coding-DNA position 99, C replaced by T.
Protein change: p.Asp33=; no amino-acid change (aspartic acid 33 retained).
Molecular consequence: synonymous variant.
Genome position (GRCh38, 1-based): chr16:67,908,848, C>T. VCF-style: chr16-67908848-C-T. GRCh37 (hg19) VCF-style: chr16-67942751-C-T.
Identifiers: ClinVar variation 4979290 (VCV004979290.1).